The following is an entry in ClinVar:

NM_001164665.2(KIAA1549):c.2503G>C (p.Gly835Arg)

Gene: KIAA1549 (KIAA1549; minus strand). Cytogenetic location: 7q34.
Variant type: single nucleotide variant.
Coding change: c.2503G>C on transcript NM_001164665.2 (MANE Select); coding-DNA position 2503, G replaced by C.
Protein change: p.Gly835Arg; replaces glycine 835 with arginine.
Molecular consequence: missense variant.
Genome position (GRCh38, 1-based): chr7:138,917,123, C>G on the plus strand (G>C on the coding strand, the complement: KIAA1549 is on the minus strand). VCF-style: chr7-138917123-C-G. GRCh37 (hg19) VCF-style: chr7-138601869-C-G.
Other names: c.2503G>C, p.Gly835Arg (NM_020910.3); short protein forms G835R.
Identifiers: ClinVar variation 2003787 (VCV002003787.4), dbSNP rs2485556111, ClinGen allele CA369392532.
Genomic context (GRCh38, chr7:138,917,123, plus strand): 5'-TTGCTTCAGAAACAAACGAGGATCCTGATGGCAGGTACGCGTCAGTGATCAACACCGTAC[C>G]AGTGGGAATGGCTTTGGAGAAAGAGGCCAGGACAGACACGTGACCGTCTAGAGCACTGAT-3'
Protein context (NP_001158137.1, residues 825-845): LASFSKAIPT[Gly835Arg]TVLITDAYLP

ClinVar aggregate classification (germline): Uncertain significance (1 of 4 stars; one submission).

Submission:

Labcorp Genetics (formerly Invitae), Labcorp
Classification: Uncertain significance. Last evaluated: 2022-06-09. Review status: criteria provided, single submitter. Criteria: Invitae Variant Classification Sherloc (09022015). Collection method: clinical testing. Allele origin: germline.
Comment: In summary, the available evidence is currently insufficient to determine the role of this variant in disease. Therefore, it has been classified as a Variant of Uncertain Significance. Algorithms developed to predict the effect of missense changes on protein structure and function output the following: SIFT: "Tolerated"; PolyPhen-2: "Benign"; Align-GVGD: "Class C0". The arginine amino acid residue is found in multiple mammalian species, which suggests that this missense change does not adversely affect protein function. This variant has not been reported in the literature in individuals affected with KIAA1549-related conditions. This variant is not present in population databases (gnomAD no frequency). This sequence change replaces glycine, which is neutral and non-polar, with arginine, which is basic and polar, at codon 835 of the KIAA1549 protein (p.Gly835Arg).